The following is an entry in ClinVar:

NM_182961.4(SYNE1):c.4009-56A>G

Gene: SYNE1 (spectrin repeat containing nuclear envelope protein 1; minus strand). Cytogenetic location: 6q25.2.
Variant type: single nucleotide variant.
Coding change: c.4009-56A>G on transcript NM_182961.4 (MANE Select); 56 bases into the intron before coding-DNA position 4009, A replaced by G.
Molecular consequence: intron variant.
Genome position (GRCh38, 1-based): chr6:152,441,326, T>C on the plus strand (A>G on the coding strand, the complement: SYNE1 is on the minus strand). VCF-style: chr6-152441326-T-C. GRCh37 (hg19) VCF-style: chr6-152762461-T-C.
Other names: c.4030-56A>G (NM_033071.5).
Identifiers: ClinVar variation 673144 (VCV000673144.1), dbSNP rs76856540, ClinGen allele CA150229279.

ClinVar aggregate classification (germline): Benign (1 of 4 stars; one submission).

Allele frequency attached by ClinVar (database versions not stated): gnomAD exomes 0.00269; gnomAD 0.02582 and 0.02753; TOPMed 0.02998; 1000 Genomes Project 0.03015; 1000 Genomes Project 30x 0.03279.
gnomAD v4.1: 7,883 of 1,549,270 alleles (0.51%); highest among the groups gnomAD compares: African/African-American, 8.9%; 298 homozygotes.

Submission:

GeneDx
Classification: Benign. Last evaluated: 2018-06-14. Review status: criteria provided, single submitter. Criteria: GeneDx Variant Classification (06012015). Collection method: clinical testing. Allele origin: germline. Affected: yes.
Comment: This variant is considered likely benign or benign based on one or more of the following criteria: it is a conservative change, it occurs at a poorly conserved position in the protein, it is predicted to be benign by multiple in silico algorithms, and/or has population frequency not consistent with disease.